The following is an entry in ClinVar:

ClinVar aggregate classification (germline): Likely benign. Review status: criteria provided, multiple submitters, no conflicts (2 of 4 stars). 2 submissions from 2 submitters: Likely benign (2). Last evaluated 2025-07-23.

Conditions:
CAPN15-related disorder. Also called: CAPN15-related condition.

Allele frequency attached by ClinVar (database versions not stated): ESP Exome Variant Server 0.00023; gnomAD 0.00036; TOPMed 0.00036; 1000 Genomes Project 0.00060; ExAC 0.00062; 1000 Genomes Project 30x 0.00078.
gnomAD v4.1: 627 of 1,608,520 alleles (0.039%); highest among the groups gnomAD compares: East Asian, 0.067%; 1 homozygote.

Submissions (2):

PreventionGenetics, part of Exact Sciences
Classification: Likely benign for CAPN15-related condition. Last evaluated: 2025-07-23. Review status: criteria provided, single submitter. Criteria: ACMG Guidelines, 2015. Collection method: clinical testing. Allele origin: germline.
Comment: This variant is classified as likely benign based on ACMG/AMP sequence variant interpretation guidelines (Richards et al. 2015 PMID: 25741868, with internal and published modifications).

CeGaT Center for Human Genetics Tuebingen
Classification: Likely benign. Last evaluated: 2022-03-01. Review status: criteria provided, single submitter. Criteria: CeGaT Center For Human Genetics Tuebingen Variant Classification Criteria Version 2. Collection method: clinical testing. Allele origin: germline. Affected: yes. Observed: 1 variant allele.
Comment: CAPN15: BP4, BP7

NM_005632.3(CAPN15):c.2688C>T (p.Cys896=)

Gene: CAPN15 (calpain 15; plus strand). Cytogenetic location: 16p13.3.
Variant type: single nucleotide variant.
Coding change: c.2688C>T on transcript NM_005632.3 (MANE Select); coding-DNA position 2688, C replaced by T.
Protein change: p.Cys896=; no amino-acid change (cysteine 896 retained).
Molecular consequence: synonymous variant.
Genome position (GRCh38, 1-based): chr16:552,481, C>T. VCF-style: chr16-552481-C-T. GRCh37 (hg19) VCF-style: chr16-602481-C-T.
Other names: c.2688C>T (NM_005632.2).
Identifiers: ClinVar variation 2645817 (VCV002645817.25), dbSNP rs146988309, ClinGen allele CA7778874.